The following is an entry in ClinVar:

NM_001320878.2(SULT1C3):c.108G>A (p.Trp36Ter)

Gene: SULT1C3 (sulfotransferase family 1C member 3; plus strand). Cytogenetic location: 2q12.3.
Variant type: single nucleotide variant.
Coding change: c.108G>A on transcript NM_001320878.2 (MANE Select); coding-DNA position 108, G replaced by A.
Protein change: p.Trp36Ter; replaces tryptophan 36 with a stop codon.
Molecular consequence: nonsense.
Genome position (GRCh38, 1-based): chr2:108,247,302, G>A. VCF-style: chr2-108247302-G-A. GRCh37 (hg19) VCF-style: chr2-108863758-G-A.
Other names: c.108G>A, p.Trp36Ter (NM_001008743.3); short protein forms W36*.
Identifiers: ClinVar variation 403503 (VCV000403503.6), dbSNP rs112050262, ClinGen allele CA1819274.

ClinVar aggregate classification (germline): Benign. Review status: criteria provided, multiple submitters, no conflicts (2 of 4 stars). 2 submissions from 2 submitters: Benign (2). Last evaluated 2016-03-28.

Allele frequency attached by ClinVar (database versions not stated): gnomAD 0.01516 and 0.01600; 1000 Genomes Project 0.01877; gnomAD exomes 0.01909 and 0.02160; TOPMed 0.01383; 1000 Genomes Project 30x 0.01780; ExAC 0.02418; ESP Exome Variant Server 0.01538.
gnomAD v4.1: 29,938 of 1,598,718 alleles (1.9%); highest among the groups gnomAD compares: South Asian, 5.5%; 452 homozygotes.

Submissions (4):

Laboratory for Molecular Medicine, Mass General Brigham Personalized Medicine
Classification: Benign. Last evaluated: 2016-03-28. Review status: criteria provided, single submitter. Criteria: LMM Criteria. Collection method: clinical testing. Allele origin: germline.
Comment: Variant identified in a genome or exome case(s) and assessed due to predicted null impact of the variant or pathogenic assertions in the literature or databases. Disclaimer: This variant has not undergone full assessment. The following are preliminary notes: ExAC frequency

Breakthrough Genomics
Classification: Benign. Review status: criteria provided, single submitter. Criteria: ACMG Guidelines, 2015. Collection method: not provided. Allele origin: germline. Inheritance: Unknown mechanism. Affected: yes.

Dr. Peter K. Rogan Lab, Western University
No classification provided (evidence only). Condition: Nonpapillary renal cell carcinoma. Review status: no classification provided. Collection method: in vitro. Allele origin: not applicable. Functional consequence: retained intron. Not counted in ClinVar's aggregate classification.

Dr. Peter K. Rogan Lab, Western University
No classification provided (evidence only). Condition: Ovarian serous cystadenocarcinoma. Review status: no classification provided. Collection method: in vitro. Allele origin: not applicable. Functional consequence: retained intron. Not counted in ClinVar's aggregate classification.